The following is an entry in ClinVar:

NM_006514.4(SCN10A):c.3768dup (p.Pro1257fs)

Gene: SCN10A (sodium voltage-gated channel alpha subunit 10; minus strand). Cytogenetic location: 3p22.2.
Variant type: Duplication.
Coding change: c.3768dup on transcript NM_006514.4 (MANE Select); coding-DNA position 3768, one base duplicated (G; older notation c.3768dupG).
Protein change: p.Pro1257fs; shifts the reading frame from proline 1257.
Molecular consequence: frameshift variant.
Genome position (GRCh38, 1-based): chr3:38,713,994, C duplicated on the plus strand (G on the coding strand, the reverse complement: SCN10A is on the minus strand); the first of 2 consecutive C bases (chr3:38,713,994-38,713,995); duplicating either gives the same sequence. VCF-style (leftmost placement, unchanged base first): chr3-38713993-G-GC. GRCh37 (hg19) VCF-style: chr3-38755484-G-GC.
Other names: c.3765dup, p.Pro1256fs (NM_001293306.2); c.3474dup, p.Pro1159fs (NM_001293307.2); short protein forms P1159fs, P1256fs, P1257fs.
Identifiers: ClinVar variation 3048913 (VCV003048913.2), dbSNP rs2470610150, ClinGen allele CA2665101215.
Genomic context (GRCh38, chr3:38,713,993, plus strand): 5'-AGAGAAGTTTTGAGATCAGACTTACCCGCATGCCTTCAAATCGAGAAAGAGCCCGCAGTG[G>GC]CCGCAGAGCGCGAAGGGTTCGAAGGGCTTTGATGGGAGCCACTTCAGAATATTCCAGAAT-3'

ClinVar aggregate classification (germline): Uncertain significance (0 of 4 stars; one submission).

Conditions:
SCN10A-related disorder. Also called: SCN10A-related condition.

Submission:

PreventionGenetics, part of Exact Sciences
Classification: Uncertain significance for SCN10A-related condition. Last evaluated: 2024-02-06. Review status: no assertion criteria provided. Collection method: clinical testing. Allele origin: germline.
Comment: The SCN10A c.3768dupG variant is predicted to result in a frameshift and premature protein termination (p.Pro1257Alafs*9). To our knowledge, this variant has not been reported in the literature or in a large population database, indicating this variant is rare. Although we suspect that this variant may be pathogenic, at this time, the clinical significance of this variant is uncertain due to the absence of conclusive functional and genetic evidence.